The following is an entry in ClinVar:

NM_032119.4(ADGRV1):c.678A>G (p.Pro226=)

Gene: ADGRV1 (adhesion G protein-coupled receptor V1; plus strand). Cytogenetic location: 5q14.3.
Variant type: single nucleotide variant.
Coding change: c.678A>G on transcript NM_032119.4 (MANE Select); coding-DNA position 678, A replaced by G.
Protein change: p.Pro226=; no amino-acid change (proline 226 retained).
Molecular consequence: synonymous variant. On other transcripts: non-coding transcript variant (1).
Genome position (GRCh38, 1-based): chr5:90,627,216, A>G. VCF-style: chr5-90627216-A-G. GRCh37 (hg19) VCF-style: chr5-89923033-A-G.
Other names: c.678A>G (NM_032119.3).
Identifiers: ClinVar variation 1588156 (VCV001588156.10), dbSNP rs527697043, ClinGen allele CA3338543.
Genomic context (GRCh38, chr5:90,627,216, plus strand): 5'-ATTTGCAGGTGTTTTGGCTGTTGATGTTTTGCCTCTGTTTATATTCCTTTAACAGGTACC[A>G]GAAAATGATGAAATATTTTTAATTCAACTGAAAAGTGTAGAAGGAGGAGCTGAGATTAAC-3'
Protein context (NP_115495.3, residues 216-236): YNLTVLDDEV[Pro226=]ENDEIFLIQL

ClinVar aggregate classification (germline): Likely benign. Review status: criteria provided, multiple submitters, no conflicts (2 of 4 stars). 3 submissions from 3 submitters: Likely benign (3). Last evaluated 2025-10-09.

Conditions:
ADGRV1-related disorder. Also called: ADGRV1-related condition; ADGRV1-related disorders.

Allele frequency attached by ClinVar (database versions not stated): gnomAD 0.00001 and 0.00003; gnomAD exomes 0.00001 and 0.00003; TOPMed 0.00001; ExAC 0.00006; 1000 Genomes Project 0.00020; 1000 Genomes Project 30x 0.00031.
gnomAD v4.1: 13 of 1,516,602 alleles (0.00086%); highest among the groups gnomAD compares: East Asian, 0.03%; no homozygotes.

Submissions (3):

PreventionGenetics, part of Exact Sciences
Classification: Likely benign for ADGRV1-related condition. Last evaluated: 2025-10-09. Review status: criteria provided, single submitter. Criteria: ACMG Guidelines, 2015. Collection method: clinical testing. Allele origin: germline.
Comment: This variant is classified as likely benign based on ACMG/AMP sequence variant interpretation guidelines (Richards et al. 2015 PMID: 25741868, with internal and published modifications).

Labcorp Genetics (formerly Invitae), Labcorp
Classification: Likely benign. Last evaluated: 2025-01-15. Review status: criteria provided, single submitter. Criteria: Invitae Variant Classification Sherloc (09022015). Collection method: clinical testing. Allele origin: germline.

Blueprint Genetics
Classification: Likely benign. Last evaluated: 2020-07-10. Review status: criteria provided, single submitter. Criteria: ACMG Guidelines, 2015. Collection method: clinical testing. Allele origin: germline.